The following is an entry in ClinVar:

ClinVar aggregate classification (germline): Uncertain significance (1 of 4 stars; one submission).

Conditions:
Noonan syndrome 9 (NS9). Identifiers: Orphanet 648, MedGen C4225282, MONDO:0014691, OMIM 616559.

Submission:

Labcorp Genetics (formerly Invitae), Labcorp
Classification: Uncertain significance for Noonan syndrome 9. Last evaluated: 2025-09-01. Review status: criteria provided, single submitter. Criteria: Invitae Variant Classification Sherloc (09022015). Collection method: clinical testing. Allele origin: germline.
Comment: This sequence change replaces histidine, which is basic and polar, with arginine, which is basic and polar, at codon 408 of the SOS2 protein (p.His408Arg). This variant is not present in population databases (gnomAD no frequency). This missense change has been observed in individual(s) with clinical features of SOS2-related conditions (PMID: 36959127). Invitae Evidence Modeling of protein sequence and biophysical properties (such as structural, functional, and spatial information, amino acid conservation, physicochemical variation, residue mobility, and thermodynamic stability) indicates that this missense variant is not expected to disrupt SOS2 protein function with a negative predictive value of 95%. In summary, the available evidence is currently insufficient to determine the role of this variant in disease. Therefore, it has been classified as a Variant of Uncertain Significance.

Literature cited by the submitters: PubMed 36959127.

NM_006939.4(SOS2):c.1223A>G (p.His408Arg)

Gene: SOS2 (SOS Ras/Rho guanine nucleotide exchange factor 2; minus strand). Cytogenetic location: 14q21.3.
Variant type: single nucleotide variant.
Coding change: c.1223A>G on transcript NM_006939.4 (MANE Select); coding-DNA position 1223, A replaced by G.
Protein change: p.His408Arg; replaces histidine 408 with arginine.
Molecular consequence: missense variant.
Genome position (GRCh38, 1-based): chr14:50,160,060, T>C on the plus strand (A>G on the coding strand, the complement: SOS2 is on the minus strand). VCF-style: chr14-50160060-T-C. GRCh37 (hg19) VCF-style: chr14-50626778-T-C.
Other names: c.1124A>G, p.His375Arg (NM_001411020.1); short protein forms H375R, H408R.
Identifiers: ClinVar variation 4778934 (VCV004778934.1).